The following is an entry in ClinVar:

ClinVar aggregate classification (germline): Conflicting classifications of pathogenicity. Review status: criteria provided, conflicting classifications (1 of 4 stars). 5 submissions from 5 submitters: Uncertain significance (1); Benign (1); Likely benign (2). 1 of the submissions does not count toward it. Last evaluated 2025-10-21.

Conditions:
POLD1-related polyposis and colorectal cancer syndrome (CRCS10). Also called: COLORECTAL CANCER, SUSCEPTIBILITY TO, ON CHROMOSOME 19q; Colorectal cancer 10; Colorectal cancer, susceptibility to, 10. Identifiers: Orphanet 220460, MedGen C2675481, MONDO:0012953, OMIM 612591.

Allele frequency attached by ClinVar (database versions not stated): ExAC 0.00017; ESP Exome Variant Server 0.00023; gnomAD 0.00029; TOPMed 0.00031.
gnomAD v4.1: 93 of 1,523,480 alleles (0.0061%); highest among the groups gnomAD compares: African/African-American, 0.11%; no homozygotes.

Submissions (5):

Labcorp Genetics (formerly Invitae), Labcorp
Classification: Benign for POLD1-related polyposis and colorectal cancer syndrome. Last evaluated: 2025-10-21. Review status: criteria provided, single submitter. Criteria: Invitae Variant Classification Sherloc (09022015). Collection method: clinical testing. Allele origin: germline.

Blueprint Genetics
Classification: Likely benign. Last evaluated: 2024-03-05. Review status: criteria provided, single submitter. Criteria: ACMG Guidelines, 2015. Collection method: clinical testing. Allele origin: germline.

GeneDx
Classification: Uncertain significance. Last evaluated: 2018-01-31. Review status: criteria provided, single submitter. Criteria: GeneDx Variant Classification (06012015). Collection method: clinical testing. Allele origin: germline. Affected: yes.
Comment: This variant is denoted POLD1 c.3219-19C>A or IVS26-19C>A and consists of a C>A nucleotide substitution at the -19 position of intron 26 of the POLD1 gene. Multiple splicing models predict this variant to destroy or damage the nearby natural splice acceptor site and to possibly cause abnormal gene splicing. However, in the absence of RNA or functional studies, the actual effect of this variant is unknown. This variant has not, to our knowledge, been published in the literature as pathogenic or benign. POLD1 c.3219-19C>A was not observed at a significant allele frequency in the NHLBI Exome Sequencing Project. The cytosine (C) nucleotide that is altered is not conserved. Based on currently available evidence, it is unclear whether POLD1 c.3219-19C>A is a pathogenic or benign variant. We consider it to be a variant of uncertain significance.

PreventionGenetics, part of Exact Sciences
Classification: Likely benign. Last evaluated: 2017-07-20. Review status: criteria provided, single submitter. Criteria: ACMG Guidelines, 2015. Collection method: clinical testing. Allele origin: germline.

Counsyl
Classification: Likely benign for POLD1-related polyposis and colorectal cancer syndrome. Last evaluated: 2016-11-07. Review status: no assertion criteria provided. Collection method: clinical testing. Allele origin: unknown. Not counted in ClinVar's aggregate classification.

NM_002691.4(POLD1):c.3219-19C>A

Gene: POLD1 (DNA polymerase delta 1, catalytic subunit; plus strand). Cytogenetic location: 19q13.33.
Variant type: single nucleotide variant.
Coding change: c.3219-19C>A on transcript NM_002691.4 (MANE Select); 19 bases into the intron before coding-DNA position 3219, C replaced by A.
Molecular consequence: intron variant.
Genome position (GRCh38, 1-based): chr19:50,417,823, C>A. VCF-style: chr19-50417823-C-A. GRCh37 (hg19) VCF-style: chr19-50921080-C-A.
Other names: c.3297-19C>A (LRG_785t2, NM_001308632.1); c.3219-19C>A (LRG_785t1, NM_001256849.1).
Identifiers: ClinVar variation 246135 (VCV000246135.15), dbSNP rs374168125, ClinGen allele CA9596819.